The following is an entry in ClinVar:

NM_006939.4(SOS2):c.2562A>G (p.Ile854Met)

Gene: SOS2 (SOS Ras/Rho guanine nucleotide exchange factor 2; minus strand). Cytogenetic location: 14q21.3.
Variant type: single nucleotide variant.
Coding change: c.2562A>G on transcript NM_006939.4 (MANE Select); coding-DNA position 2562, A replaced by G.
Protein change: p.Ile854Met; replaces isoleucine 854 with methionine.
Molecular consequence: missense variant.
Genome position (GRCh38, 1-based): chr14:50,145,275, T>C on the plus strand (A>G on the coding strand, the complement: SOS2 is on the minus strand). VCF-style: chr14-50145275-T-C. GRCh37 (hg19) VCF-style: chr14-50611993-T-C.
Other names: c.2463A>G, p.Ile821Met (NM_001411020.1); short protein forms I821M, I854M.
Identifiers: ClinVar variation 2155934 (VCV002155934.4), dbSNP rs2502915135, ClinGen allele CA389643111.

ClinVar aggregate classification (germline): Uncertain significance (1 of 4 stars; one submission).

Conditions:
Noonan syndrome 9 (NS9). Identifiers: Orphanet 648, MedGen C4225282, MONDO:0014691, OMIM 616559.

Submission:

Labcorp Genetics (formerly Invitae), Labcorp
Classification: Uncertain significance for Noonan syndrome 9. Last evaluated: 2022-08-10. Review status: criteria provided, single submitter. Criteria: Invitae Variant Classification Sherloc (09022015). Collection method: clinical testing. Allele origin: germline.
Comment: Advanced modeling of protein sequence and biophysical properties (such as structural, functional, and spatial information, amino acid conservation, physicochemical variation, residue mobility, and thermodynamic stability) performed at Invitae indicates that this missense variant is not expected to disrupt SOS2 protein function. In summary, the available evidence is currently insufficient to determine the role of this variant in disease. Therefore, it has been classified as a Variant of Uncertain Significance. This sequence change replaces isoleucine, which is neutral and non-polar, with methionine, which is neutral and non-polar, at codon 854 of the SOS2 protein (p.Ile854Met). This variant is not present in population databases (gnomAD no frequency). This variant has not been reported in the literature in individuals affected with SOS2-related conditions.